The following is an entry in ClinVar:

ClinVar aggregate classification (germline): Likely benign (1 of 4 stars; one submission).

gnomAD v4.1: 41 of 1,614,034 alleles (0.0025%); highest among the groups gnomAD compares: Non-Finnish European, 0.0033%; no homozygotes.

Submission:

CeGaT Center for Human Genetics Tuebingen
Classification: Likely benign. Last evaluated: 2025-03-01. Review status: criteria provided, single submitter. Criteria: CeGaT Center For Human Genetics Tuebingen Variant Classification Criteria Version 2. Collection method: clinical testing. Allele origin: germline. Affected: yes. Observed: 1 variant allele.
Comment: RBBP8: BP4, BP7

NM_002894.3(RBBP8):c.522C>T (p.Asn174=)

Gene: RBBP8 (RB binding protein 8, endonuclease; plus strand). Cytogenetic location: 18q11.2.
Variant type: single nucleotide variant.
Coding change: c.522C>T on transcript NM_002894.3 (MANE Select); coding-DNA position 522, C replaced by T.
Protein change: p.Asn174=; no amino-acid change (asparagine 174 retained).
Molecular consequence: synonymous variant.
Genome position (GRCh38, 1-based): chr18:22,982,311, C>T. VCF-style: chr18-22982311-C-T. GRCh37 (hg19) VCF-style: chr18-20562274-C-T.
Other names: c.522C>T, p.Asn174= (NM_203291.2, NM_203292.2).
Identifiers: ClinVar variation 3778239 (VCV003778239.7).
Genomic context (GRCh38, chr18:22,982,311, plus strand): 5'-ATGTGAGGAAGACGTTATTCCAGATTCACCGATAACAGCCTTCTCATTTTCTGGCGTTAA[C>T]CGGCTACGAAGAAAGGAGAACCCCCATGTCCGATACATAGAACAAACACATACTAAATTG-3'
Protein context (NP_002885.1, residues 164-184): PITAFSFSGV[Asn174=]RLRRKENPHV